The following is an entry in ClinVar:

NM_021224.6(ZNF462):c.3603del (p.Asn1202fs)

Gene: ZNF462 (zinc finger protein 462; plus strand). Cytogenetic location: 9q31.2.
Variant type: Deletion.
Coding change: c.3603del on transcript NM_021224.6 (MANE Select); coding-DNA position 3603, one base deleted (G; older notation c.3603delG).
Protein change: p.Asn1202fs; shifts the reading frame from asparagine 1202.
Molecular consequence: frameshift variant. On other transcripts: intron variant (1).
Genome position (GRCh38, 1-based): chr9:106,927,515, G deleted; the last of 3 consecutive G bases (chr9:106,927,513-106,927,515); deleting any one gives the same sequence. VCF-style (leftmost placement, unchanged base first): chr9-106927512-TG-T. GRCh37 (hg19) VCF-style: chr9-109689793-TG-T.
Other names: c.3252+351del (NM_001347997.2); short protein forms N1202fs.
Identifiers: ClinVar variation 3476083 (VCV003476083.1).

ClinVar aggregate classification (germline): Pathogenic (1 of 4 stars; one submission).

Conditions:
Inborn genetic diseases. Identifiers: MedGen C0950123, MeSH D030342.

Submission:

Ambry Genetics
Classification: Pathogenic for Inborn genetic diseases. Last evaluated: 2024-08-26. Review status: criteria provided, single submitter. Criteria: Ambry Variant Classification Scheme 2023. Collection method: clinical testing. Allele origin: germline.
Comment: The c.3603delG (p.N1202Tfs*24) alteration, located in exon 3 (coding exon 2) of the ZNF462 gene, consists of a deletion of one nucleotide at position 3603, causing a translational frameshift with a predicted alternate stop codon after 24 amino acids. This alteration is expected to result in loss of function by premature protein truncation or nonsense-mediated mRNA decay. This variant was not reported in population-based cohorts in the Genome Aggregation Database (gnomAD). Based on the available evidence, this alteration is classified as pathogenic.